The following is an entry in ClinVar:

NM_058216.3(RAD51C):c.1103G>T (p.Arg368Leu)

Gene: RAD51C (RAD51 paralog C; plus strand). Cytogenetic location: 17q22.
Variant type: single nucleotide variant.
Coding change: c.1103G>T on transcript NM_058216.3 (MANE Select); coding-DNA position 1103, G replaced by T.
Protein change: p.Arg368Leu; replaces arginine 368 with leucine.
Molecular consequence: missense variant. On other transcripts: non-coding transcript variant (1).
Genome position (GRCh38, 1-based): chr17:58,734,194, G>T. VCF-style: chr17-58734194-G-T. GRCh37 (hg19) VCF-style: chr17-56811555-G-T.
Other names: c.1103G>T (NM_058216.1); short protein forms R368L.
Identifiers: ClinVar variation 1434597 (VCV001434597.7), dbSNP rs1378390389, ClinGen allele CA400366504.

ClinVar aggregate classification (germline): Uncertain significance. Review status: criteria provided, multiple submitters, no conflicts (2 of 4 stars). 2 submissions from 2 submitters: Uncertain significance (2). Last evaluated 2026-05-27.

Conditions:
Fanconi anemia complementation group O. Also called: RAD51C-Related Fanconi Anemia. Identifiers: Orphanet 84, MedGen C3150653, MONDO:0013248, OMIM 613390.
Hereditary cancer-predisposing syndrome. Also called: Tumor predisposition; Neoplastic Syndromes, Hereditary; Hereditary Cancer Syndrome; Hereditary neoplastic syndrome. Identifiers: Orphanet 140162, MedGen C0027672, MeSH D009386, MONDO:0015356.

Submissions (2):

Ambry Genetics
Classification: Uncertain significance for Hereditary cancer-predisposing syndrome. Last evaluated: 2026-05-27. Review status: criteria provided, single submitter. Criteria: Ambry Variant Classification Scheme 2023. Collection method: clinical testing. Allele origin: germline.
Comment: The p.R368L variant (also known as c.1103G>T), located in coding exon 9 of the RAD51C gene, results from a G to T substitution at nucleotide position 1103. The arginine at codon 368 is replaced by leucine, an amino acid with dissimilar properties. This amino acid position is conserved. In addition, this alteration is predicted to be tolerated by in silico analysis. Based on the available evidence, the clinical significance of this variant remains unclear.

Labcorp Genetics (formerly Invitae), Labcorp
Classification: Uncertain significance for Fanconi anemia complementation group O. Last evaluated: 2024-01-31. Review status: criteria provided, single submitter. Criteria: Invitae Variant Classification Sherloc (09022015). Collection method: clinical testing. Allele origin: germline.
Comment: This sequence change replaces arginine, which is basic and polar, with leucine, which is neutral and non-polar, at codon 368 of the RAD51C protein (p.Arg368Leu). This variant is not present in population databases (gnomAD no frequency). This variant has not been reported in the literature in individuals affected with RAD51C-related conditions. ClinVar contains an entry for this variant (Variation ID: 1434597). An algorithm developed to predict the effect of missense changes on protein structure and function (PolyPhen-2) suggests that this variant is likely to be disruptive. In summary, the available evidence is currently insufficient to determine the role of this variant in disease. Therefore, it has been classified as a Variant of Uncertain Significance.